The following is an entry in ClinVar:

ClinVar aggregate classification (germline): Uncertain significance (1 of 4 stars; one submission).

Submission:

Labcorp Genetics (formerly Invitae), Labcorp
Classification: Uncertain significance. Last evaluated: 2024-10-30. Review status: criteria provided, single submitter. Criteria: Invitae Variant Classification Sherloc (09022015). Collection method: clinical testing. Allele origin: germline.
Comment: This sequence change replaces glycine, which is neutral and non-polar, with arginine, which is basic and polar, at codon 311 of the ANKZF1 protein (p.Gly311Arg). This variant is not present in population databases (gnomAD no frequency). This variant has not been reported in the literature in individuals affected with ANKZF1-related conditions. An algorithm developed to predict the effect of missense changes on protein structure and function outputs the following: PolyPhen-2: "Benign". The arginine amino acid residue is found in multiple mammalian species, which suggests that this missense change does not adversely affect protein function. In summary, the available evidence is currently insufficient to determine the role of this variant in disease. Therefore, it has been classified as a Variant of Uncertain Significance.

NM_018089.3(ANKZF1):c.931G>C (p.Gly311Arg)

Gene: ANKZF1 (ankyrin repeat and zinc finger peptidyl tRNA hydrolase 1; plus strand). Cytogenetic location: 2q35.
Variant type: single nucleotide variant.
Coding change: c.931G>C on transcript NM_018089.3 (MANE Select); coding-DNA position 931, G replaced by C.
Protein change: p.Gly311Arg; replaces glycine 311 with arginine.
Molecular consequence: missense variant.
Genome position (GRCh38, 1-based): chr2:219,233,826, G>C. VCF-style: chr2-219233826-G-C. GRCh37 (hg19) VCF-style: chr2-220098548-G-C.
Other names: c.931G>C, p.Gly311Arg (NM_001042410.2); c.301G>C, p.Gly101Arg (NM_001282792.2); short protein forms G311R, G101R.
Identifiers: ClinVar variation 3645334 (VCV003645334.2).